The following is an entry in ClinVar:

ClinVar aggregate classification (germline): Uncertain significance (1 of 4 stars; one submission).

Conditions:
Dyskeratosis congenita, autosomal recessive 6 (DKCB6). Identifiers: MedGen C4225356, MONDO:0014600, OMIM 616353.
Pulmonary fibrosis and/or bone marrow failure, Telomere-related, 4. Also called: PULMONARY FIBROSIS AND/OR BONE MARROW FAILURE SYNDROME, TELOMERE-RELATED, 4. Identifiers: Orphanet 2032, MedGen C4225347, MONDO:0014612, OMIM 616371.

Allele frequency attached by ClinVar (database versions not stated): gnomAD exomes below 0.00001; TOPMed below 0.00001; ExAC 0.00001; gnomAD 0.00001.
gnomAD v4.1: 2 of 1,613,568 alleles (0.00012%); highest among the groups gnomAD compares: Admixed American, 0.0033%; no homozygotes.

Submission:

Labcorp Genetics (formerly Invitae), Labcorp
Classification: Uncertain significance for Dyskeratosis congenita, autosomal recessive 6; Pulmonary fibrosis and/or bone marrow failure, Telomere-related, 4. Last evaluated: 2023-12-11. Review status: criteria provided, single submitter. Criteria: Invitae Variant Classification Sherloc (09022015). Collection method: clinical testing. Allele origin: germline.
Comment: This sequence change replaces glycine, which is neutral and non-polar, with arginine, which is basic and polar, at codon 584 of the PARN protein (p.Gly584Arg). This variant is present in population databases (rs779691333, gnomAD 0.003%). This variant has not been reported in the literature in individuals affected with PARN-related conditions. An algorithm developed to predict the effect of missense changes on protein structure and function (PolyPhen-2) suggests that this variant is likely to be tolerated. In summary, the available evidence is currently insufficient to determine the role of this variant in disease. Therefore, it has been classified as a Variant of Uncertain Significance.

NM_002582.4(PARN):c.1750G>A (p.Gly584Arg)

Gene: PARN (poly(A)-specific ribonuclease; minus strand). Cytogenetic location: 16p13.12.
Variant type: single nucleotide variant.
Coding change: c.1750G>A on transcript NM_002582.4 (MANE Select); coding-DNA position 1750, G replaced by A.
Protein change: p.Gly584Arg; replaces glycine 584 with arginine.
Molecular consequence: missense variant.
Genome position (GRCh38, 1-based): chr16:14,447,002, C>T on the plus strand (G>A on the coding strand, the complement: PARN is on the minus strand). VCF-style: chr16-14447002-C-T. GRCh37 (hg19) VCF-style: chr16-14540859-C-T.
Other names: c.1567G>A, p.Gly523Arg (NM_001134477.3); c.1612G>A, p.Gly538Arg (NM_001242992.2); short protein forms G523R, G538R, G584R.
Identifiers: ClinVar variation 2929147 (VCV002929147.3), dbSNP rs779691333, ClinGen allele CA7911936.